The following is an entry in ClinVar:

Conditions:
Arteriohepatic dysplasia. Also called: Alagille Syndrome. Identifiers: Orphanet 52, MedGen C0085280, MeSH D016738, MONDO:0007318.

Submission:

Gilbert/Spinner Lab, Children's Hospital of Philadelphia
No classification provided (evidence only). Condition: Alagille syndrome. Review status: no classification provided. Collection method: research. Allele origin: not applicable. Functional consequence: functionally_abnormal.
ClinVar note: "not provided" was previously submitted as the classification for the variant. However, the classification appeared to be based only on an observation of functional data so it was converted to no classification on 2025-07-30.

NM_000214.3(JAG1):c.378C>G (p.Phe126Leu)

Gene: JAG1 (jagged canonical Notch ligand 1; minus strand). Cytogenetic location: 20p12.2.
Variant type: single nucleotide variant.
Coding change: c.378C>G on transcript NM_000214.3 (MANE Select); coding-DNA position 378, C replaced by G.
Protein change: p.Phe126Leu; replaces phenylalanine 126 with leucine.
Molecular consequence: missense variant.
Genome position (GRCh38, 1-based): chr20:10,672,710, G>C on the plus strand (C>G on the coding strand, the complement: JAG1 is on the minus strand). VCF-style: chr20-10672710-G-C. GRCh37 (hg19) VCF-style: chr20-10653358-G-C.
Other names: short protein forms F126L.
Identifiers: ClinVar variation 3573283 (VCV003573283.2).